The following is an entry in ClinVar:

ClinVar aggregate classification (germline): Benign. Review status: criteria provided, multiple submitters, no conflicts (2 of 4 stars). 2 submissions from 2 submitters: Benign (2). Last evaluated 2018-06-14.

Allele frequency attached by ClinVar (database versions not stated): gnomAD exomes 0.03842; ExAC 0.04081; ESP Exome Variant Server 0.04355; gnomAD 0.05079 and 0.05135; TOPMed 0.05232; 1000 Genomes Project 30x 0.08260; 1000 Genomes Project 0.08327.
gnomAD v4.1: 37,703 of 1,541,580 alleles (2.4%); highest among the groups gnomAD compares: East Asian, 13%; 1,258 homozygotes.

Submissions (2):

GeneDx
Classification: Benign. Last evaluated: 2018-06-14. Review status: criteria provided, single submitter. Criteria: GeneDx Variant Classification (06012015). Collection method: clinical testing. Allele origin: germline. Affected: yes.
Comment: This variant is considered likely benign or benign based on one or more of the following criteria: it is a conservative change, it occurs at a poorly conserved position in the protein, it is predicted to be benign by multiple in silico algorithms, and/or has population frequency not consistent with disease.

Breakthrough Genomics
Classification: Benign. Review status: criteria provided, single submitter. Criteria: ACMG Guidelines, 2015. Collection method: not provided. Allele origin: germline. Inheritance: Autosomal recessive inheritance. Affected: yes.

NM_001267550.2(TTN):c.53882-25G>T

Genes: TTN (titin; minus strand), TTN-AS1 (TTN antisense RNA 1; plus strand). Cytogenetic location: 2q31.2.
Variant type: single nucleotide variant.
Coding change: c.53882-25G>T on transcript NM_001267550.2 (MANE Select); 25 bases into the intron before coding-DNA position 53882, G replaced by T.
Molecular consequence: intron variant. On other transcripts: non-coding transcript variant (1).
Genome position (GRCh38, 1-based): chr2:178,605,320, C>A on the plus strand (G>T on the coding strand, the complement: TTN is on the minus strand). VCF-style: chr2-178605320-C-A. GRCh37 (hg19) VCF-style: chr2-179470047-C-A.
Other names: c.26687-25G>T (NM_003319.4); c.27263-25G>T (NM_133437.4); c.27062-25G>T (NM_133432.3); c.46178-25G>T (NM_133378.4); c.48959-25G>T (NM_001256850.1).
Identifiers: ClinVar variation 671417 (VCV000671417.2), dbSNP rs2303833, ClinGen allele CA1993726.